The following is an entry in ClinVar:

ClinVar aggregate classification (germline): Conflicting classifications of pathogenicity. Review status: criteria provided, conflicting classifications (1 of 4 stars). 3 submissions from 3 submitters: Uncertain significance (2); Likely benign (1). Last evaluated 2026-06-05.

Conditions:
OTOF-related disorder. Also called: OTOF-related condition.

Allele frequency attached by ClinVar (database versions not stated): ExAC 0.00017; gnomAD exomes 0.00017; gnomAD 0.00022 and 0.00024; 1000 Genomes Project 30x 0.00031; ESP Exome Variant Server 0.00038; 1000 Genomes Project 0.00040.
gnomAD v4.1: 108 of 1,613,802 alleles (0.0067%); highest among the groups gnomAD compares: African/African-American, 0.095%; 1 homozygote.

Submissions (3):

PreventionGenetics, part of Exact Sciences
Classification: Uncertain significance for OTOF-related condition. Last evaluated: 2026-06-05. Review status: criteria provided, single submitter. Criteria: ACMG Guidelines, 2015. Collection method: clinical testing. Allele origin: germline.
Comment: The OTOF c.5083G>A variant is predicted to result in the amino acid substitution p.Asp1695Asn. To our knowledge, this variant has not been reported in the literature. This variant is reported in 0.12% of alleles in individuals of African descent in gnomAD. Although we suspect that this variant may be benign, at this time, the clinical significance of this variant is uncertain due to the absence of conclusive functional and genetic evidence.

Labcorp Genetics (formerly Invitae), Labcorp
Classification: Likely benign. Last evaluated: 2026-01-17. Review status: criteria provided, single submitter. Criteria: Invitae Variant Classification Sherloc (09022015). Collection method: clinical testing. Allele origin: germline.

GeneDx
Classification: Uncertain significance. Last evaluated: 2025-10-29. Review status: criteria provided, single submitter. Criteria: GeneDx Variant Classification Process June 2021. Collection method: clinical testing. Allele origin: germline. Affected: yes.
Comment: In silico analysis supports that this missense variant has a deleterious effect on protein structure/function; Has not been previously published as pathogenic or benign to our knowledge

NM_194248.3(OTOF):c.5083G>A (p.Asp1695Asn)

Genes: OTOF (otoferlin; minus strand), LOC112840921 (BRD4-independent group 4 enhancer GRCh37_chr2:26685720-26686919; plus strand). Cytogenetic location: 2p23.3.
Variant type: single nucleotide variant.
Coding change: c.5083G>A on transcript NM_194248.3 (MANE Select); coding-DNA position 5083, G replaced by A.
Protein change: p.Asp1695Asn; replaces aspartic acid 1695 with asparagine.
Molecular consequence: missense variant.
Genome position (GRCh38, 1-based): chr2:26,463,984, C>T on the plus strand (G>A on the coding strand, the complement: OTOF is on the minus strand). VCF-style: chr2-26463984-C-T. GRCh37 (hg19) VCF-style: chr2-26686852-C-T.
Other names: c.5083G>A (NM_194248.2); c.5083G>A, p.Asp1695Asn (NM_001287489.2); c.2782G>A, p.Asp928Asn (NM_004802.4, NM_194323.3); c.3013G>A, p.Asp1005Asn (NM_194322.3); short protein forms D1005N, D1695N, D928N.
Identifiers: ClinVar variation 1327673 (VCV001327673.9), dbSNP rs144422709, ClinGen allele CA1562944.